The following is an entry in ClinVar:

ClinVar aggregate classification (germline): Uncertain significance (1 of 4 stars; one submission).

Conditions:
Early-infantile DEE. Also called: Ohtahara syndrome; Early infantile epileptic encephalopathy; Early infantile epileptic encephalopathy with suppression bursts. Identifiers: Orphanet 1934, MedGen C0393706, MONDO:0800491.

Submission:

Labcorp Genetics (formerly Invitae), Labcorp
Classification: Uncertain significance for Early-infantile DEE. Last evaluated: 2024-01-25. Review status: criteria provided, single submitter. Criteria: Invitae Variant Classification Sherloc (09022015). Collection method: clinical testing. Allele origin: germline.
Comment: This sequence change falls in intron 9 of the SCN1A gene. It does not directly change the encoded amino acid sequence of the SCN1A protein. This variant is not present in population databases (gnomAD no frequency). This variant has not been reported in the literature in individuals affected with SCN1A-related conditions. Algorithms developed to predict the effect of sequence changes on RNA splicing suggest that this variant may disrupt the consensus splice site. In summary, the available evidence is currently insufficient to determine the role of this variant in disease. Therefore, it has been classified as a Variant of Uncertain Significance.

NM_001165963.4(SCN1A):c.1378-4dup

Gene: SCN1A (sodium voltage-gated channel alpha subunit 1; minus strand). Cytogenetic location: 2q24.3.
Variant type: Duplication.
Coding change: c.1378-4dup on transcript NM_001165963.4 (MANE Select); 4 bases into the intron before coding-DNA position 1378, one base duplicated (A; older notation c.1378-4dupA).
Molecular consequence: intron variant.
Genome position (GRCh38, 1-based): chr2:166,045,331, T duplicated on the plus strand (A on the coding strand, the reverse complement: SCN1A is on the minus strand). VCF-style (leftmost placement, unchanged base first): chr2-166045330-A-AT. GRCh37 (hg19) VCF-style: chr2-166901840-A-AT.
Other names: c.1378-4dup (NM_001353949.2, NM_001353958.2, NM_001353950.2 and 7 more transcripts); c.1378-7dup (NM_001353955.2, NM_001353960.2, NM_001353954.2); c.-1048-4dup (NM_001353961.2).
Identifiers: ClinVar variation 2887812 (VCV002887812.3), dbSNP rs2468169929, ClinGen allele CA2739271492.